The following is an entry in ClinVar:

NM_000245.4(MET):c.872A>G (p.Tyr291Cys)

Gene: MET (MET proto-oncogene, receptor tyrosine kinase; plus strand). Cytogenetic location: 7q31.2.
Variant type: single nucleotide variant.
Coding change: c.872A>G on transcript NM_000245.4 (MANE Select); coding-DNA position 872, A replaced by G.
Protein change: p.Tyr291Cys; replaces tyrosine 291 with cysteine.
Molecular consequence: missense variant. On other transcripts: intron variant (1).
Genome position (GRCh38, 1-based): chr7:116,699,956, A>G. VCF-style: chr7-116699956-A-G. GRCh37 (hg19) VCF-style: chr7-116340010-A-G.
Other names: c.872A>G, p.Tyr291Cys (NM_001127500.3, NM_001324401.3); c.-91+27379A>G (NM_001324402.2); short protein forms Y291C.
Identifiers: ClinVar variation 1764465 (VCV001764465.8), dbSNP rs2116600000, ClinGen allele CA368970036.

ClinVar aggregate classification (germline): Uncertain significance. Review status: criteria provided, multiple submitters, no conflicts (2 of 4 stars). 2 submissions from 2 submitters: Uncertain significance (2). Last evaluated 2026-01-14.

Conditions:
Hereditary cancer-predisposing syndrome. Also called: Neoplastic Syndromes, Hereditary; Tumor predisposition; Hereditary Cancer Syndrome; Hereditary neoplastic syndrome. Identifiers: Orphanet 140162, MedGen C0027672, MeSH D009386, MONDO:0015356.
Renal cell carcinoma. Identifiers: Orphanet 217071, MedGen C0007134, MeSH D002292, MONDO:0005086, HP:0005584.

Allele frequency attached by ClinVar (database versions not stated): gnomAD exomes below 0.00001.
gnomAD v4.1: 1 of 1,614,070 alleles (0.000062%); highest among the groups gnomAD compares: Non-Finnish European, 0.000085%; no homozygotes.

Submissions (2):

Labcorp Genetics (formerly Invitae), Labcorp
Classification: Uncertain significance for Renal cell carcinoma. Last evaluated: 2026-01-14. Review status: criteria provided, single submitter. Criteria: Invitae Variant Classification Sherloc (09022015). Collection method: clinical testing. Allele origin: germline.
Comment: This sequence change replaces tyrosine, which is neutral and polar, with cysteine, which is neutral and slightly polar, at codon 291 of the MET protein (p.Tyr291Cys). This variant is not present in population databases (gnomAD no frequency). This variant has not been reported in the literature in individuals affected with MET-related conditions. ClinVar contains an entry for this variant (Variation ID: 1764465). Invitae Evidence Modeling of protein sequence and biophysical properties (such as structural, functional, and spatial information, amino acid conservation, physicochemical variation, residue mobility, and thermodynamic stability) indicates that this missense variant is expected to disrupt MET protein function with a positive predictive value of 80%. In summary, the available evidence is currently insufficient to determine the role of this variant in disease. Therefore, it has been classified as a Variant of Uncertain Significance.

Ambry Genetics
Classification: Uncertain significance for Hereditary cancer-predisposing syndrome. Last evaluated: 2025-02-26. Review status: criteria provided, single submitter. Criteria: Ambry Variant Classification Scheme 2023. Collection method: clinical testing. Allele origin: germline.
Comment: The p.Y291C variant (also known as c.872A>G), located in coding exon 1 of the MET gene, results from an A to G substitution at nucleotide position 872. The tyrosine at codon 291 is replaced by cysteine, an amino acid with highly dissimilar properties. This amino acid position is highly conserved in available vertebrate species. In addition, this alteration is predicted to be deleterious by in silico analysis. Since supporting evidence is limited at this time, the clinical significance of this alteration remains unclear.